The following is an entry in ClinVar:

ClinVar aggregate classification (germline): Likely pathogenic (1 of 4 stars; one submission).

gnomAD v4.1: 1 of 1,613,570 alleles (0.000062%); highest among the groups gnomAD compares: Non-Finnish European, 0.000085%; no homozygotes.

Submission:

GeneDx
Classification: Likely pathogenic. Last evaluated: 2026-03-11. Review status: criteria provided, single submitter. Criteria: GeneDx Variant Classification Process June 2021. Collection method: clinical testing. Allele origin: germline.
Comment: Has been reported in a patient with early onset high myopia (PMID: 29453956); Not observed at significant frequency in large population cohorts (gnomAD); In silico analysis supports that this missense variant has a deleterious effect on protein structure/function; This variant is associated with the following publications: (PMID: 25240749, 29453956)

NM_001854.4(COL11A1):c.2450G>T (p.Gly817Val)

Gene: COL11A1 (collagen type XI alpha 1 chain; minus strand). Cytogenetic location: 1p21.1.
Variant type: single nucleotide variant.
Coding change: c.2450G>T on transcript NM_001854.4 (MANE Select); coding-DNA position 2450, G replaced by T.
Protein change: p.Gly817Val; replaces glycine 817 with valine.
Molecular consequence: missense variant. On other transcripts: non-coding transcript variant (1).
Genome position (GRCh38, 1-based): chr1:102,987,685, C>A on the plus strand (G>T on the coding strand, the complement: COL11A1 is on the minus strand). VCF-style: chr1-102987685-C-A. GRCh37 (hg19) VCF-style: chr1-103453241-C-A.
Other names: c.2333G>T, p.Gly778Val (NM_001190709.2); c.2486G>T, p.Gly829Val (NM_080629.3); c.2102G>T, p.Gly701Val (NM_080630.4); short protein forms G701V, G778V, G817V, G829V.
Identifiers: ClinVar variation 4891426 (VCV004891426.1).